The following is an entry in ClinVar:

ClinVar aggregate classification (germline): Pathogenic (1 of 4 stars; one submission).

Conditions:
Developmental and epileptic encephalopathy, 54. Also called: HNRNPU-Related Neurodevelopmental Disorder; Epileptic encephalopathy, early infantile, 54. Identifiers: MedGen C4479319, MONDO:0033363, OMIM 617391.

Submission:

Broad Center for Mendelian Genomics, Broad Institute of MIT and Harvard
Classification: Pathogenic for Developmental and epileptic encephalopathy, 54. Last evaluated: 2020-05-28. Review status: criteria provided, single submitter. Criteria: ACMG Guidelines, 2015. Collection method: research. Allele origin: germline. Inheritance: Autosomal dominant inheritance.
Comment: Trio exome analysis showed this variant to be de novo. This variant was absent from large population studies. This variant is predicted to cause a frameshift, which alters the proteinâ€™s amino acid sequence beginning at position 555 and leads to a premature termination codon 51 amino acids downstream. This alteration is then predicted to lead to a truncated or absent protein. Heterozygous loss of function of the HNRNPU gene is an established disease mechanism in early infantile epileptic encephalopathy. In summary, this variant meets criteria to be classified as pathogenic for early infantile epileptic encephalopathy in an autosomal dominant manner based on the predicted impact of the variant and de novo inheritance. ACMG/AMP Criteria applied: PS2, PVS1, PM2 (Richards 2015).

Literature cited by the submitters: PubMed 28944577.

NM_031844.3(HNRNPU):c.1664del (p.Leu555fs)

Gene: HNRNPU (heterogeneous nuclear ribonucleoprotein U; minus strand). Cytogenetic location: 1q44.
Variant type: Deletion.
Coding change: c.1664del on transcript NM_031844.3 (MANE Select); coding-DNA position 1664, one base deleted (T; older notation c.1664delT).
Protein change: p.Leu555fs; shifts the reading frame from leucine 555.
Molecular consequence: frameshift variant.
Genome position (GRCh38, 1-based): chr1:244,856,807, A deleted on the plus strand (T on the coding strand, the reverse complement: HNRNPU is on the minus strand). VCF-style (leftmost placement, unchanged base first): chr1-244856806-CA-C. GRCh37 (hg19) VCF-style: chr1-245020108-CA-C.
Other names: c.1607del, p.Leu536fs (NM_004501.3); short protein forms L536fs, L555fs.
Identifiers: ClinVar variation 977138 (VCV000977138.1), dbSNP rs1680691597, ClinGen allele CA658795148.